The following is an entry in ClinVar:

ClinVar aggregate classification (germline): Uncertain significance (1 of 4 stars; one submission).

Conditions:
Hereditary cancer-predisposing syndrome. Also called: Neoplastic Syndromes, Hereditary; Tumor predisposition; Hereditary Cancer Syndrome; Hereditary neoplastic syndrome. Identifiers: Orphanet 140162, MedGen C0027672, MeSH D009386, MONDO:0015356.

gnomAD v4.1: 1 of 1,614,134 alleles (0.000062%); highest among the groups gnomAD compares: Non-Finnish European, 0.000085%; no homozygotes.

Submission:

Ambry Genetics
Classification: Uncertain significance for Hereditary cancer-predisposing syndrome. Last evaluated: 2025-08-01. Review status: criteria provided, single submitter. Criteria: Ambry Variant Classification Scheme 2023. Collection method: clinical testing. Allele origin: germline.
Comment: The p.P453S variant (also known as c.1357C>T), located in coding exon 11 of the SUFU gene, results from a C to T substitution at nucleotide position 1357. The proline at codon 453 is replaced by serine, an amino acid with similar properties. This amino acid position is conserved. In addition, this alteration is predicted to be tolerated by in silico analysis. Based on the available evidence, the clinical significance of this variant remains unclear.

NM_016169.4(SUFU):c.1357C>T (p.Pro453Ser)

Gene: SUFU (SUFU negative regulator of hedgehog signaling; plus strand). Cytogenetic location: 10q24.32.
Variant type: single nucleotide variant.
Coding change: c.1357C>T on transcript NM_016169.4 (MANE Select); coding-DNA position 1357, C replaced by T.
Protein change: p.Pro453Ser; replaces proline 453 with serine.
Molecular consequence: missense variant.
Genome position (GRCh38, 1-based): chr10:102,627,235, C>T. VCF-style: chr10-102627235-C-T. GRCh37 (hg19) VCF-style: chr10-104386992-C-T.
Other names: short protein forms P453S.
Identifiers: ClinVar variation 4177546 (VCV004177546.1).